The following is an entry in ClinVar:

NM_020297.4(ABCC9):c.3364C>G (p.Leu1122Val)

Gene: ABCC9 (ATP binding cassette subfamily C member 9; minus strand). Cytogenetic location: 12p12.1.
Variant type: single nucleotide variant.
Coding change: c.3364C>G on transcript NM_020297.4 (MANE Select); coding-DNA position 3364, C replaced by G.
Protein change: p.Leu1122Val; replaces leucine 1122 with valine.
Molecular consequence: missense variant.
Genome position (GRCh38, 1-based): chr12:21,842,423, G>C on the plus strand (C>G on the coding strand, the complement: ABCC9 is on the minus strand). VCF-style: chr12-21842423-G-C. GRCh37 (hg19) VCF-style: chr12-21995357-G-C.
Other names: c.3364C>G, p.Leu1122Val (NM_001377273.1, NM_005691.4); c.2497C>G, p.Leu833Val (NM_001377274.1); short protein forms L833V, L1122V.
Identifiers: ClinVar variation 1730642 (VCV001730642.5), dbSNP rs765467874, ClinGen allele CA384140967.

ClinVar aggregate classification (germline): Uncertain significance. Review status: criteria provided, multiple submitters, no conflicts (2 of 4 stars). 2 submissions from 2 submitters: Uncertain significance (2). Last evaluated 2023-05-19.

Conditions:
Dilated cardiomyopathy 1O (CMD1O). Also called: CARDIOMYOPATHY, DILATED, WITH VENTRICULAR TACHYCARDIA. Identifiers: Orphanet 154, MedGen C1837839, MONDO:0012062, OMIM 608569.
Cardiovascular phenotype. Identifiers: MedGen CN230736.

gnomAD v4.1: 8 of 1,614,156 alleles (0.0005%); highest among the groups gnomAD compares: Non-Finnish European, 0.00059%; no homozygotes.

Submissions (2):

Labcorp Genetics (formerly Invitae), Labcorp
Classification: Uncertain significance for Dilated cardiomyopathy 1O. Last evaluated: 2023-05-19. Review status: criteria provided, single submitter. Criteria: Invitae Variant Classification Sherloc (09022015). Collection method: clinical testing. Allele origin: germline.
Comment: In summary, the available evidence is currently insufficient to determine the role of this variant in disease. Therefore, it has been classified as a Variant of Uncertain Significance. This sequence change replaces leucine, which is neutral and non-polar, with valine, which is neutral and non-polar, at codon 1122 of the ABCC9 protein (p.Leu1122Val). This variant is not present in population databases (gnomAD no frequency). This variant has not been reported in the literature in individuals affected with ABCC9-related conditions. ClinVar contains an entry for this variant (Variation ID: 1730642). Advanced modeling of protein sequence and biophysical properties (such as structural, functional, and spatial information, amino acid conservation, physicochemical variation, residue mobility, and thermodynamic stability) performed at Invitae indicates that this missense variant is not expected to disrupt ABCC9 protein function.

Ambry Genetics
Classification: Uncertain significance for Cardiovascular phenotype. Last evaluated: 2021-09-13. Review status: criteria provided, single submitter. Criteria: Ambry Variant Classification Scheme 2023. Collection method: clinical testing. Allele origin: germline.
Comment: The p.L1122V variant (also known as c.3364C>G), located in coding exon 27 of the ABCC9 gene, results from a C to G substitution at nucleotide position 3364. The leucine at codon 1122 is replaced by valine, an amino acid with highly similar properties. This amino acid position is well conserved in available vertebrate species. In addition, this alteration is predicted to be tolerated by in silico analysis. Since supporting evidence is limited at this time, the clinical significance of this alteration remains unclear.